The following is an entry in ClinVar:

NM_018136.5(ASPM):c.7125_7128dup (p.Gln2377fs)

Gene: ASPM (assembly factor for spindle microtubules; minus strand). Cytogenetic location: 1q31.3.
Variant type: Duplication.
Coding change: c.7125_7128dup on transcript NM_018136.5 (MANE Select); coding-DNA positions 7125 to 7128, 4 bases duplicated (ACTG; older notation c.7125_7128dupACTG).
Protein change: p.Gln2377fs; shifts the reading frame from glutamine 2377.
Molecular consequence: frameshift variant. On other transcripts: intron variant (1).
Genome position (GRCh38, 1-based): chr1:197,102,123-197,102,126, CAGT duplicated on the plus strand (ACTG on the coding strand, the reverse complement: ASPM is on the minus strand). VCF-style (leftmost placement, unchanged base first): chr1-197102122-G-GCAGT. GRCh37 (hg19) VCF-style: chr1-197071252-G-GCAGT.
Other names: c.7124_7125insACTG (NM_018136.4); c.4066-5962_4066-5959dup (NM_001206846.2); short protein forms Q2377fs.
Identifiers: ClinVar variation 157864 (VCV000157864.58), dbSNP rs587783263, ClinGen allele CA271095.

ClinVar aggregate classification (germline): Pathogenic/Likely pathogenic. Review status: criteria provided, multiple submitters, no conflicts (2 of 4 stars). 10 submissions from 10 submitters: Pathogenic (7); Likely pathogenic (3). Last evaluated 2024-11-25.

Conditions:
ASPM-related disorder. Also called: ASPM-related condition.
Microcephaly 5, primary, autosomal recessive (MCPH5). Also called: ASPM Primary Microcephaly. Identifiers: Orphanet 2512, MedGen C1837501, MONDO:0012106, OMIM 608716.

Allele frequency attached by ClinVar (database versions not stated): gnomAD exomes below 0.00001.

Submissions (10):

Labcorp Genetics (formerly Invitae), Labcorp
Classification: Pathogenic. Last evaluated: 2024-11-25. Review status: criteria provided, single submitter. Criteria: Invitae Variant Classification Sherloc (09022015). Collection method: clinical testing. Allele origin: germline.
Comment: This sequence change creates a premature translational stop signal (p.Gln2377Thrfs*26) in the ASPM gene. It is expected to result in an absent or disrupted protein product. Loss-of-function variants in ASPM are known to be pathogenic (PMID: 19028728, 23611254). This variant is not present in population databases (gnomAD no frequency). This premature translational stop signal has been observed in individual(s) with microcephaly (PMID: 31069529). ClinVar contains an entry for this variant (Variation ID: 157864). For these reasons, this variant has been classified as Pathogenic.

GeneDx
Classification: Pathogenic. Last evaluated: 2024-07-02. Review status: criteria provided, single submitter. Criteria: GeneDx Variant Classification Process June 2021. Collection method: clinical testing. Allele origin: germline. Affected: yes.
Comment: Frameshift variant predicted to result in protein truncation or nonsense mediated decay in a gene for which loss of function is a known mechanism of disease; Not observed at significant frequency in large population cohorts (gnomAD); This variant is associated with the following publications: (PMID: 31980526, 31069529)

Johns Hopkins Genomics, Johns Hopkins University
Classification: Pathogenic for Microcephaly 5, primary, autosomal recessive. Last evaluated: 2023-11-15. Review status: criteria provided, single submitter. Criteria: ACMG Guidelines, 2015. Collection method: clinical testing. Allele origin: germline.
Comment: This ASPM variant (rs587783263 ) is rare (<0.1%) in a large population dataset (gnomAD v4.0.0: 4/1461022 total alleles; 0.0003%; no homozygotes). It has been reported in ClinVar (Variation ID 157864), but has not been reported in the literature in individuals known to be affected with microcephaly and having biallelic ASPM variants, to our knowledge. This frameshift variant results in a premature stop codon in exon 18 of 28, likely leading to nonsense-mediated decay and lack of protein production. We consider c.7125_7128dup in ASPM to be pathogenic.

Blueprint Genetics
Classification: Likely pathogenic for ASPM-related disorders. Last evaluated: 2023-06-12. Review status: criteria provided, single submitter. Criteria: ACMG Guidelines, 2015. Collection method: clinical testing. Allele origin: germline. Affected: yes. Observed: 3 variant alleles.

Genome-Nilou Lab
Classification: Likely pathogenic for Microcephaly 5, primary, autosomal recessive. Last evaluated: 2023-04-11. Review status: criteria provided, single submitter. Criteria: ACMG Guidelines, 2015. Collection method: clinical testing. Allele origin: germline. Affected: no.

Fulgent Genetics
Classification: Likely pathogenic for Microcephaly 5, primary, autosomal recessive. Last evaluated: 2021-10-12. Review status: criteria provided, single submitter. Criteria: ACMG Guidelines, 2015. Collection method: clinical testing. Allele origin: unknown.

Revvity Omics, Revvity
Classification: Pathogenic for Microcephaly 5, primary, autosomal recessive. Last evaluated: 2021-01-29. Review status: criteria provided, single submitter. Criteria: ACMG Guidelines, 2015. Collection method: clinical testing. Allele origin: germline.

CeGaT Center for Human Genetics Tuebingen
Classification: Pathogenic. Last evaluated: 2020-12-01. Review status: criteria provided, single submitter. Criteria: CeGaT Center For Human Genetics Tuebingen Variant Classification Criteria Version 2. Collection method: clinical testing. Allele origin: germline. Affected: yes. Observed: 2 variant alleles.

Eurofins Ntd Llc (ga)
Classification: Pathogenic. Last evaluated: 2016-09-20. Review status: criteria provided, single submitter. Criteria: EGL Classification Definitions. Collection method: clinical testing. Allele origin: germline. Observed: 1 variant allele, 1 heterozygote.

Genetic Services Laboratory, University of Chicago
Classification: Pathogenic for Microcephaly 5, primary, autosomal recessive. Last evaluated: 2013-12-05. Review status: criteria provided, single submitter. Criteria: ACMG Guidelines, 2007. Collection method: clinical testing. Allele origin: germline. Inheritance: Autosomal recessive inheritance. Affected: yes.

Literature cited by the submitters: PubMed 19028728 (cited by Labcorp Genetics (formerly Invitae), Labcorp); PubMed 23611254 (cited by Labcorp Genetics (formerly Invitae), Labcorp); PubMed 31069529 (cited by Labcorp Genetics (formerly Invitae), Labcorp); PubMed 31980526 (cited by Johns Hopkins Genomics, Johns Hopkins University).